The following is an entry in ClinVar:

NM_016222.4(DDX41):c.672C>T (p.Ile224=)

Gene: DDX41 (DEAD-box helicase 41; minus strand). Cytogenetic location: 5q35.3.
Variant type: single nucleotide variant.
Coding change: c.672C>T on transcript NM_016222.4 (MANE Select); coding-DNA position 672, C replaced by T.
Protein change: p.Ile224=; no amino-acid change (isoleucine 224 retained).
Molecular consequence: synonymous variant.
Genome position (GRCh38, 1-based): chr5:177,515,042, G>A on the plus strand (C>T on the coding strand, the complement: DDX41 is on the minus strand). VCF-style: chr5-177515042-G-A. GRCh37 (hg19) VCF-style: chr5-176942043-G-A.
Other names: c.294C>T, p.Ile98= (NM_001321732.2, NM_001321830.2).
Identifiers: ClinVar variation 3369397 (VCV003369397.5).

ClinVar aggregate classification (germline): Conflicting classifications of pathogenicity. Review status: criteria provided, conflicting classifications (1 of 4 stars). 4 submissions from 4 submitters: Uncertain significance (2); Likely benign (2). Last evaluated 2025-05-08.

Conditions:
Inborn genetic diseases. Identifiers: MedGen C0950123, MeSH D030342.

gnomAD v4.1: 11 of 1,613,292 alleles (0.00068%); highest among the groups gnomAD compares: East Asian, 0.0089%; no homozygotes.

Submissions (4):

Ambry Genetics
Classification: Likely benign for Inborn genetic diseases. Last evaluated: 2025-05-08. Review status: criteria provided, single submitter. Criteria: Ambry Variant Classification Scheme 2023. Collection method: clinical testing. Allele origin: germline.

Labcorp Genetics (formerly Invitae), Labcorp
Classification: Uncertain significance. Last evaluated: 2024-09-06. Review status: criteria provided, single submitter. Criteria: Invitae Variant Classification Sherloc (09022015). Collection method: clinical testing. Allele origin: germline.
Comment: This sequence change affects codon 224 of the DDX41 mRNA. It is a 'silent' change, meaning that it does not change the encoded amino acid sequence of the DDX41 protein. This variant is present in population databases (rs367840907, gnomAD 0.006%). This variant has not been reported in the literature in individuals affected with DDX41-related conditions. Algorithms developed to predict the effect of sequence changes on RNA splicing suggest that this variant may create or strengthen a splice site. In summary, the available evidence is currently insufficient to determine the role of this variant in disease. Therefore, it has been classified as a Variant of Uncertain Significance.

GeneDx
Classification: Uncertain significance. Last evaluated: 2024-02-16. Review status: criteria provided, single submitter. Criteria: GeneDx Variant Classification Process June 2021. Collection method: clinical testing. Allele origin: germline. Affected: yes.
Comment: In silico analysis suggests this variant may impact gene splicing. In the absence of RNA/functional studies, the actual effect of this sequence change is unknown.; Not observed at significant frequency in large population cohorts (gnomAD); Has not been previously published as pathogenic or benign to our knowledge

Blueprint Genetics
Classification: Likely benign. Last evaluated: 2023-07-05. Review status: criteria provided, single submitter. Criteria: ACMG Guidelines, 2015. Collection method: clinical testing. Allele origin: germline.